The following is an entry in ClinVar:

ClinVar aggregate classification (germline): Likely benign (1 of 4 stars; one submission).

Submission:

Women's Health and Genetics/Laboratory Corporation of America, LabCorp
Classification: Likely benign. Last evaluated: 2026-05-28. Review status: criteria provided, single submitter. Criteria: LabCorp Variant Classification Summary - May 2015. Collection method: clinical testing. Allele origin: germline.
Comment: Variant summary: PMS2 c.2007-5T>G alters a nucleotide located at a position not widely known to affect splicing. Consensus agreement among computation tools predict no significant impact on normal splicing. However, these predictions have yet to be confirmed by functional studies. The variant was absent in 186036 control chromosomes. The available data on variant occurrences in the general population are insufficient to allow any conclusion about variant significance. To our knowledge, no occurrence of c.2007-5T>G in individuals affected with PMS2-related conditions and no experimental evidence demonstrating its impact on protein function have been reported. No submitters have cited clinical-significance assessments for this variant to ClinVar. Based on the evidence outlined above, the variant was classified as likely benign.

NM_000535.7(PMS2):c.2007-5T>G

Gene: PMS2 (PMS1 homolog 2, mismatch repair system component; minus strand). Cytogenetic location: 7p22.1.
Variant type: single nucleotide variant.
Coding change: c.2007-5T>G on transcript NM_000535.7 (MANE Select); 5 bases into the intron before coding-DNA position 2007, T replaced by G.
Molecular consequence: intron variant.
Genome position (GRCh38, 1-based): chr7:5,982,996, A>C on the plus strand (T>G on the coding strand, the complement: PMS2 is on the minus strand). VCF-style: chr7-5982996-A-C. GRCh37 (hg19) VCF-style: chr7-6022627-A-C.
Other names: c.1689-5T>G (NM_001322008.2, NM_001406883.1, NM_001322007.2 and 1 more transcripts); c.1698-5T>G (NM_001406881.1, NM_001406879.1, NM_001322015.2 and 5 more transcripts); c.1602-5T>G (NM_001406895.1, NM_001322004.2, NM_001406889.1 and 14 more transcripts); c.1236-5T>G (NM_001406911.1); c.1446-5T>G (NM_001322010.2, NM_001406906.1, NM_001406907.1); c.1533-5T>G (NM_001406902.1, NM_001406901.1); c.1494-5T>G (NM_001406904.1, NM_001406905.1); c.1434-5T>G (NM_001322013.2, NM_001406909.1); and 16 more.
Identifiers: ClinVar variation 4853256 (VCV004853256.1).